The following is an entry in ClinVar:

NM_000264.5(PTCH1):c.3358G>A (p.Glu1120Lys)

Gene: PTCH1 (patched 1; minus strand). Cytogenetic location: 9q22.32.
Variant type: single nucleotide variant.
Coding change: c.3358G>A on transcript NM_000264.5 (MANE Select); coding-DNA position 3358, G replaced by A.
Protein change: p.Glu1120Lys; replaces glutamic acid 1120 with lysine.
Molecular consequence: missense variant. On other transcripts: non-coding transcript variant (1).
Genome position (GRCh38, 1-based): chr9:95,453,569, C>T on the plus strand (G>A on the coding strand, the complement: PTCH1 is on the minus strand). VCF-style: chr9-95453569-C-T. GRCh37 (hg19) VCF-style: chr9-98215851-C-T.
Other names: c.3160G>A, p.Glu1054Lys (NM_001083602.3); c.3355G>A, p.Glu1119Lys (NM_001083603.3); c.2905G>A, p.Glu969Lys (NM_001083604.3, NM_001083605.3, NM_001083606.3 and 1 more transcripts); c.3202G>A, p.Glu1068Lys (NM_001354918.2); c.3358G>A (NM_000264.4); short protein forms E1054K, E1068K, E1120K, E969K, E1119K.
Identifiers: ClinVar variation 941537 (VCV000941537.15), dbSNP rs1838662287, ClinGen allele CA374111837.

ClinVar aggregate classification (germline): Uncertain significance. Review status: criteria provided, multiple submitters, no conflicts (2 of 4 stars). 5 submissions from 5 submitters: Uncertain significance (5). Last evaluated 2025-05-14.

Conditions:
Basal cell carcinoma, susceptibility to, 1. Also called: BCC1. Identifiers: MedGen C2751544, MONDO:0011556, OMIM 605462.
Hereditary cancer-predisposing syndrome. Also called: Tumor predisposition; Hereditary neoplastic syndrome; Neoplastic Syndromes, Hereditary; Hereditary Cancer Syndrome. Identifiers: Orphanet 140162, MedGen C0027672, MeSH D009386, MONDO:0015356.
Gorlin syndrome. Also called: Nevoid Basal Cell Carcinoma Syndrome; Basal cell nevus syndrome. Identifiers: Orphanet 377, MedGen C0004779, MONDO:0007187.

Submissions (5):

Labcorp Genetics (formerly Invitae), Labcorp
Classification: Uncertain significance for Gorlin syndrome. Last evaluated: 2025-05-14. Review status: criteria provided, single submitter. Criteria: Invitae Variant Classification Sherloc (09022015). Collection method: clinical testing. Allele origin: germline.
Comment: This sequence change replaces glutamic acid, which is acidic and polar, with lysine, which is basic and polar, at codon 1120 of the PTCH1 protein (p.Glu1120Lys). This variant is not present in population databases (gnomAD no frequency). This variant has not been reported in the literature in individuals affected with PTCH1-related conditions. ClinVar contains an entry for this variant (Variation ID: 941537). Invitae Evidence Modeling of protein sequence and biophysical properties (such as structural, functional, and spatial information, amino acid conservation, physicochemical variation, residue mobility, and thermodynamic stability) has been performed for this missense variant. However, the output from this modeling did not meet the statistical confidence thresholds required to predict the impact of this variant on PTCH1 protein function. In summary, the available evidence is currently insufficient to determine the role of this variant in disease. Therefore, it has been classified as a Variant of Uncertain Significance.

Ambry Genetics
Classification: Uncertain significance for Hereditary cancer-predisposing syndrome. Last evaluated: 2025-05-10. Review status: criteria provided, single submitter. Criteria: Ambry Variant Classification Scheme 2023. Collection method: clinical testing. Allele origin: germline.
Comment: The p.E1120K variant (also known as c.3358G>A), located in coding exon 20 of the PTCH1 gene, results from a G to A substitution at nucleotide position 3358. The glutamic acid at codon 1120 is replaced by lysine, an amino acid with similar properties. This amino acid position is conserved. In addition, this alteration is predicted to be deleterious by in silico analysis. Since supporting evidence is limited at this time, the clinical significance of this alteration remains unclear.

Quest Diagnostics Nichols Institute San Juan Capistrano
Classification: Uncertain significance. Last evaluated: 2025-01-14. Review status: criteria provided, single submitter. Criteria: Quest Diagnostics criteria. Collection method: clinical testing. Allele origin: unknown.
Comment: The PTCH1 c.3358G>A (p.Glu1120Lys) variant has not been reported in individuals with PTCH1-related conditions in the published literature. It also has not been reported in large, multi-ethnic general populations (Genome Aggregation Database). Analysis of this variant using bioinformatics tools for the prediction of the effect of amino acid changes on protein structure and function yielded predictions that this variant is damaging. Based on the available information, we are unable to determine the clinical significance of this variant.

Baylor Genetics
Classification: Uncertain significance for Basal cell carcinoma, susceptibility to, 1. Last evaluated: 2024-03-06. Review status: criteria provided, single submitter. Criteria: ACMG Guidelines, 2015. Collection method: clinical testing. Allele origin: unknown.

GeneDx
Classification: Uncertain significance. Last evaluated: 2023-02-07. Review status: criteria provided, single submitter. Criteria: GeneDx Variant Classification Process June 2021. Collection method: clinical testing. Allele origin: germline. Affected: yes.
Comment: Not observed at significant frequency in large population cohorts (gnomAD); In silico analysis supports that this missense variant has a deleterious effect on protein structure/function; Missense variant in a gene in which most reported pathogenic variants are truncating/loss of function; Has not been previously published as pathogenic or benign to our knowledge